The following is an entry in ClinVar:

ClinVar aggregate classification (germline): Pathogenic (1 of 4 stars; one submission).

Conditions:
Inborn genetic diseases. Identifiers: MedGen C0950123, MeSH D030342.

Submission:

Ambry Genetics
Classification: Pathogenic for Inborn genetic diseases. Last evaluated: 2022-08-04. Review status: criteria provided, single submitter. Criteria: Ambry Variant Classification Scheme 2023. Collection method: clinical testing. Allele origin: germline.
Comment: The c.1984_1985delAT (p.I662Sfs*9) alteration, located in exon 3 (coding exon 2) of the ASH1L gene, consists of a deletion of 2 nucleotides from position 1984 to 1985, causing a translational frameshift with a predicted alternate stop codon after 9 amino acids. This alteration is expected to result in loss of function by premature protein truncation or nonsense-mediated mRNA decay. This variant was not reported in population-based cohorts in the Genome Aggregation Database (gnomAD). Based on the available evidence, this alteration is classified as pathogenic.

NM_018489.3(ASH1L):c.1984_1985del (p.Ile662fs)

Gene: ASH1L (ASH1 like histone lysine methyltransferase; minus strand). Cytogenetic location: 1q22.
Variant type: Deletion.
Coding change: c.1984_1985del on transcript NM_018489.3 (MANE Select); coding-DNA positions 1984 to 1985, 2 bases deleted (AT; older notation c.1984_1985delAT).
Protein change: p.Ile662fs; shifts the reading frame from isoleucine 662.
Molecular consequence: frameshift variant.
Genome position (GRCh38, 1-based): chr1:155,480,885-155,480,886, AT deleted on the plus strand (AT on the coding strand, the reverse complement: ASH1L is on the minus strand). VCF-style (leftmost placement, unchanged base first): chr1-155480884-AAT-A. GRCh37 (hg19) VCF-style: chr1-155450675-AAT-A.
Other names: c.1984_1985del, p.Ile662fs (NM_001366177.2); short protein forms I662fs.
Identifiers: ClinVar variation 2298244 (VCV002298244.2), dbSNP rs2527187534, ClinGen allele CA2580061131.